The following is an entry in ClinVar:

ClinVar aggregate classification (germline): Uncertain significance (1 of 4 stars; one submission).

Conditions:
Beckwith-Wiedemann syndrome (BWS). Also called: EMG SYNDROME; Exomphalos macroglossia gigantism syndrome. Identifiers: Orphanet 116, MedGen C0004903, MONDO:0007534, OMIM 130650.

Submission:

Labcorp Genetics (formerly Invitae), Labcorp
Classification: Uncertain significance for Beckwith-Wiedemann syndrome. Last evaluated: 2023-09-29. Review status: criteria provided, single submitter. Criteria: Invitae Variant Classification Sherloc (09022015). Collection method: clinical testing. Allele origin: germline.
Comment: This sequence change replaces proline, which is neutral and non-polar, with arginine, which is basic and polar, at codon 198 of the CDKN1C protein (p.Pro198Arg). The frequency data for this variant in the population databases is considered unreliable, as metrics indicate insufficient coverage at this position in the gnomAD database. This variant has not been reported in the literature in individuals affected with CDKN1C-related conditions. ClinVar contains an entry for this variant (Variation ID: 645140). Advanced modeling of protein sequence and biophysical properties (such as structural, functional, and spatial information, amino acid conservation, physicochemical variation, residue mobility, and thermodynamic stability) performed at Invitae indicates that this missense variant is not expected to disrupt CDKN1C protein function. In summary, the available evidence is currently insufficient to determine the role of this variant in disease. Therefore, it has been classified as a Variant of Uncertain Significance.

NM_001122630.2(CDKN1C):c.560C>G (p.Pro187Arg)

Gene: CDKN1C (cyclin dependent kinase inhibitor 1C; minus strand). Cytogenetic location: 11p15.4.
Variant type: single nucleotide variant.
Coding change: c.560C>G on transcript NM_001122630.2 (MANE Select); coding-DNA position 560, C replaced by G.
Protein change: p.Pro187Arg; replaces proline 187 with arginine.
Molecular consequence: missense variant. On other transcripts: intron variant (1).
Genome position (GRCh38, 1-based): chr11:2,884,897, G>C on the plus strand (C>G on the coding strand, the complement: CDKN1C is on the minus strand). VCF-style: chr11-2884897-G-C. GRCh37 (hg19) VCF-style: chr11-2906127-G-C.
Other names: c.593C>G, p.Pro198Arg (LRG_533t1, NM_000076.2, NM_001362474.2); c.560C>G, p.Pro187Arg (NM_001122631.2); c.255+305C>G (NM_001362475.2); short protein forms P187R, P198R.
Identifiers: ClinVar variation 645140 (VCV000645140.8), dbSNP rs2583439, ClinGen allele CA216367277.